The following is an entry in ClinVar:

NM_001135649.3(FOXI3):c.92dup (p.Ala32fs)

Gene: FOXI3 (forkhead box I3; minus strand). Cytogenetic location: 2p11.2.
Variant type: Duplication.
Coding change: c.92dup on transcript NM_001135649.3 (MANE Select); coding-DNA position 92, one base duplicated (C; older notation c.92dupC).
Protein change: p.Ala32fs; shifts the reading frame from alanine 32.
Molecular consequence: frameshift variant.
Genome position (GRCh38, 1-based): chr2:88,452,444, G duplicated on the plus strand (C on the coding strand, the reverse complement: FOXI3 is on the minus strand); the first of 7 consecutive G bases (chr2:88,452,444-88,452,450); duplicating any one gives the same sequence. VCF-style (leftmost placement, unchanged base first): chr2-88452443-C-CG. GRCh37 (hg19) VCF-style: chr2-88751961-C-CG.
Other names: c.92dup (NM_001135649.1); short protein forms A32fs.
Identifiers: ClinVar variation 2994570 (VCV002994570.7), dbSNP rs1558612214, ClinGen allele CA534638487.

ClinVar aggregate classification (germline): Conflicting classifications of pathogenicity. Review status: criteria provided, conflicting classifications (1 of 4 stars). 4 submissions from 4 submitters: Likely pathogenic (1); Uncertain significance (3). Last evaluated 2026-04-01.

Conditions:
Craniofacial microsomia 2 (CFM2). Identifiers: MedGen C5781610, MONDO:0958194, OMIM 620444.

Submissions (4):

GeneDx
Classification: Uncertain significance. Last evaluated: 2026-04-01. Review status: criteria provided, single submitter. Criteria: GeneDx Variant Classification Process June 2021. Collection method: clinical testing. Allele origin: germline.
Comment: Published functional studies suggest this variant results in reduced gene expression; however, additional studies are needed to validate the functional effect of this variant (PMID: 37041148); Frameshift variant predicted to result in protein truncation or nonsense mediated decay in a gene or region of a gene for which loss of function is not a well-established mechanism of disease; Not observed at significant frequency in large population cohorts (gnomAD); This variant is associated with the following publications: (PMID: 37041148)

CeGaT Center for Human Genetics Tuebingen
Classification: Likely pathogenic. Last evaluated: 2026-03-01. Review status: criteria provided, single submitter. Criteria: CeGaT Center For Human Genetics Tuebingen Variant Classification Criteria Version 2. Collection method: clinical testing. Allele origin: germline. Affected: yes. Observed: 2 variant alleles.
Comment: FOXI3: PVS1:Strong, PM2:Supporting, PS4:Supporting

Labcorp Genetics (formerly Invitae), Labcorp
Classification: Uncertain significance. Last evaluated: 2025-08-07. Review status: criteria provided, single submitter. Criteria: Invitae Variant Classification Sherloc (09022015). Collection method: clinical testing. Allele origin: germline.
Comment: This sequence change creates a premature translational stop signal (p.Ala32Glyfs*147) in the FOXI3 gene. It is expected to result in an absent or disrupted protein product. However, the current clinical and genetic evidence is not sufficient to establish whether loss-of-function variants in FOXI3 cause disease. The frequency data for this variant in the population databases is considered unreliable, as metrics indicate insufficient coverage at this position in the gnomAD database. This premature translational stop signal has been observed in individual(s) with craniofacial microsomia (PMID: 37041148). ClinVar contains an entry for this variant (Variation ID: 2994570). Algorithms developed to predict the effect of variants on gene product structure and function are not available or were not evaluated for this variant. Experimental studies have shown that this premature translational stop signal affects FOXI3 function (PMID: 37041148). In summary, the available evidence is currently insufficient to determine the role of this variant in disease. Therefore, it has been classified as a Variant of Uncertain Significance.

Juno Genomics, Hangzhou Juno Genomics, Inc
Classification: Uncertain significance for Craniofacial microsomia 2. Review status: criteria provided, single submitter. Criteria: ACMG Guidelines, 2015. Collection method: clinical testing. Allele origin: germline.
Comment: Absent from controls (or at extremely low frequency if recessive) in Genome Aggregation Database.

Literature cited by the submitters: PubMed 37041148 (cited by Labcorp Genetics (formerly Invitae), Labcorp).